The following is an entry in ClinVar:

ClinVar aggregate classification (germline): Uncertain significance (1 of 4 stars; one submission).

Conditions:
Aortic valve disease 2 (AOVD2). Identifiers: MedGen C3542024, MONDO:0013902, OMIM 614823.

Allele frequency attached by ClinVar (database versions not stated): gnomAD exomes below 0.00001.
gnomAD v4.1: 1 of 1,613,980 alleles (0.000062%); highest among the groups gnomAD compares: East Asian, 0.0022%; no homozygotes.

Submission:

Labcorp Genetics (formerly Invitae), Labcorp
Classification: Uncertain significance for Aortic valve disease 2. Last evaluated: 2023-01-20. Review status: criteria provided, single submitter. Criteria: Invitae Variant Classification Sherloc (09022015). Collection method: clinical testing. Allele origin: germline.
Comment: This sequence change replaces histidine, which is basic and polar, with tyrosine, which is neutral and polar, at codon 177 of the TBX5 protein (p.His177Tyr). In summary, the available evidence is currently insufficient to determine the role of this variant in disease. Therefore, it has been classified as a Variant of Uncertain Significance. Advanced modeling of protein sequence and biophysical properties (such as structural, functional, and spatial information, amino acid conservation, physicochemical variation, residue mobility, and thermodynamic stability) has been performed at Invitae for this missense variant, however the output from this modeling did not meet the statistical confidence thresholds required to predict the impact of this variant on TBX5 protein function. This variant has not been reported in the literature in individuals affected with TBX5-related conditions. This variant is not present in population databases (gnomAD no frequency).

NM_181486.4(TBX5):c.529C>T (p.His177Tyr)

Gene: TBX5 (T-box transcription factor 5; minus strand). Cytogenetic location: 12q24.21.
Variant type: single nucleotide variant.
Coding change: c.529C>T on transcript NM_181486.4 (MANE Select); coding-DNA position 529, C replaced by T.
Protein change: p.His177Tyr; replaces histidine 177 with tyrosine.
Molecular consequence: missense variant.
Genome position (GRCh38, 1-based): chr12:114,394,875, G>A on the plus strand (C>T on the coding strand, the complement: TBX5 is on the minus strand). VCF-style: chr12-114394875-G-A. GRCh37 (hg19) VCF-style: chr12-114832680-G-A.
Other names: c.529C>T, p.His177Tyr (NM_000192.3); c.379C>T, p.His127Tyr (NM_080717.4); short protein forms H177Y, H127Y.
Identifiers: ClinVar variation 2810024 (VCV002810024.3), dbSNP rs2540467147, ClinGen allele CA386861583.